The following is an entry in ClinVar:

ClinVar aggregate classification (germline): Conflicting classifications of pathogenicity. Review status: criteria provided, conflicting classifications (1 of 4 stars). 2 submissions from 2 submitters: Likely pathogenic (1); Uncertain significance (1). Last evaluated 2024-06-04.

Conditions:
Galactosylceramide beta-galactosidase deficiency. Also called: Leukodystrophy, Globoid Cell; GALACTOCEREBROSIDASE DEFICIENCY; GALC DEFICIENCY; GLOBOID CELL LEUKOENCEPHALOPATHY; Krabbe Disease. Identifiers: Orphanet 487, MedGen C0023521, MONDO:0009499, OMIM 245200.

Allele frequency attached by ClinVar (database versions not stated): ExAC 0.00001.

Submissions (2):

Labcorp Genetics (formerly Invitae), Labcorp
Classification: Uncertain significance for Galactosylceramide beta-galactosidase deficiency. Last evaluated: 2024-06-04. Review status: criteria provided, single submitter. Criteria: Invitae Variant Classification Sherloc (09022015). Collection method: clinical testing. Allele origin: germline.
Comment: This sequence change replaces glycine, which is neutral and non-polar, with aspartic acid, which is acidic and polar, at codon 585 of the GALC protein (p.Gly585Asp). This variant is not present in population databases (gnomAD no frequency). This variant has not been reported in the literature in individuals affected with GALC-related conditions. ClinVar contains an entry for this variant (Variation ID: 1685322). Advanced modeling of protein sequence and biophysical properties (such as structural, functional, and spatial information, amino acid conservation, physicochemical variation, residue mobility, and thermodynamic stability) performed at Invitae indicates that this missense variant is expected to disrupt GALC protein function with a positive predictive value of 95%. In summary, the available evidence is currently insufficient to determine the role of this variant in disease. Therefore, it has been classified as a Variant of Uncertain Significance.

Mendelics
Classification: Likely pathogenic for Galactosylceramide beta-galactosidase deficiency. Last evaluated: 2022-05-04. Review status: criteria provided, single submitter. Criteria: Mendelics Assertion Criteria 2019. Collection method: clinical testing. Allele origin: germline.

NM_000153.4(GALC):c.1754G>A (p.Gly585Asp)

Gene: GALC (galactosylceramidase; minus strand). Cytogenetic location: 14q31.3.
Variant type: single nucleotide variant.
Coding change: c.1754G>A on transcript NM_000153.4 (MANE Select); coding-DNA position 1754, G replaced by A.
Protein change: p.Gly585Asp; replaces glycine 585 with aspartic acid.
Molecular consequence: missense variant.
Genome position (GRCh38, 1-based): chr14:87,941,475, C>T on the plus strand (G>A on the coding strand, the complement: GALC is on the minus strand). VCF-style: chr14-87941475-C-T. GRCh37 (hg19) VCF-style: chr14-88407819-C-T.
Other names: c.1685G>A, p.Gly562Asp (NM_001201401.2); c.1676G>A, p.Gly559Asp (NM_001201402.2); short protein forms G559D, G562D, G585D.
Identifiers: ClinVar variation 1685322 (VCV001685322.3), dbSNP rs776098499, ClinGen allele CA7296929.